The following is an entry in ClinVar:

ClinVar aggregate classification (germline): Conflicting classifications of pathogenicity. Review status: criteria provided, conflicting classifications (1 of 4 stars). 4 submissions from 4 submitters: Uncertain significance (1); Likely benign (3). Last evaluated 2026-01-27.

Conditions:
Cryopyrin associated periodic syndrome (CAPS). Identifiers: Orphanet 208650, MedGen C2316212, MONDO:0016168.
Autoinflammatory syndrome. Identifiers: Orphanet 93665, MedGen C3890737, MONDO:0019751.

Allele frequency attached by ClinVar (database versions not stated): ExAC 0.00005; gnomAD exomes 0.00005; gnomAD 0.00006 and 0.00007; TOPMed 0.00006.
gnomAD v4.1: 83 of 1,612,318 alleles (0.0051%); highest among the groups gnomAD compares: Non-Finnish European, 0.0064%; no homozygotes.

Submissions (4):

Labcorp Genetics (formerly Invitae), Labcorp
Classification: Likely benign for Cryopyrin associated periodic syndrome. Last evaluated: 2026-01-27. Review status: criteria provided, single submitter. Criteria: Invitae Variant Classification Sherloc (09022015). Collection method: clinical testing. Allele origin: germline.

Blueprint Genetics
Classification: Likely benign. Last evaluated: 2021-12-13. Review status: criteria provided, single submitter. Criteria: ACMG Guidelines, 2015. Collection method: clinical testing. Allele origin: germline.

Genome Diagnostics Laboratory, The Hospital for Sick Children
Classification: Uncertain significance for Autoinflammatory syndrome. Last evaluated: 2021-06-04. Review status: criteria provided, single submitter. Criteria: ACMG Guidelines, 2015. Collection method: clinical testing. Allele origin: germline. Affected: yes.

GeneDx
Classification: Likely benign. Last evaluated: 2016-03-22. Review status: criteria provided, single submitter. Criteria: GeneDx Variant Classification (06012015). Collection method: clinical testing. Allele origin: germline. Affected: yes.
Comment: This variant is considered likely benign or benign based on one or more of the following criteria: it is a conservative change, it occurs at a poorly conserved position in the protein, it is predicted to be benign by multiple in silico algorithms, and/or has population frequency not consistent with disease.

NM_001243133.2(NLRP3):c.1317G>A (p.Ala439=)

Gene: NLRP3 (NLR family pyrin domain containing 3; plus strand). Cytogenetic location: 1q44.
Variant type: single nucleotide variant.
Coding change: c.1317G>A on transcript NM_001243133.2 (MANE Select); coding-DNA position 1317, G replaced by A.
Protein change: p.Ala439=; no amino-acid change (alanine 439 retained).
Molecular consequence: synonymous variant.
Genome position (GRCh38, 1-based): chr1:247,424,766, G>A. VCF-style: chr1-247424766-G-A. GRCh37 (hg19) VCF-style: chr1-247588068-G-A.
Other names: c.1317G>A, p.Ala439= (NM_001079821.3, NM_001127461.3, NM_001127462.3 and 1 more transcripts); c.1323G>A, p.Ala441= (NM_004895.5).
Identifiers: ClinVar variation 385044 (VCV000385044.13), dbSNP rs201976178, ClinGen allele CA1495009.